The following is an entry in ClinVar:

ClinVar aggregate classification (germline): Conflicting classifications of pathogenicity. Review status: criteria provided, conflicting classifications (1 of 4 stars). 2 submissions from 2 submitters: Uncertain significance (1); Likely benign (1). Last evaluated 2024-09-12.

Conditions:
Breast-ovarian cancer, familial, susceptibility to, 1 (BROVCA1). Also called: BRCA1 Hereditary Breast and Ovarian Cancer; OVARIAN CANCER, SUSCEPTIBILITY TO. Identifiers: Orphanet 145, MedGen C2676676, MONDO:0011450, OMIM 604370. Disease mechanism: loss of function.
Hereditary breast ovarian cancer syndrome. Also called: Hereditary breast and ovarian cancer syndrome; Hereditary breast and ovarian cancer; Hereditary breast and ovarian cancer syndrome (HBOC); Breast and ovarian cancer; Hereditary breast and/or ovarian cancer syndrome; BRCA1- and BRCA2-Associated Hereditary Breast and Ovarian Cancer. Identifiers: Orphanet 145, MedGen C0677776, MeSH D061325, MONDO:0003582. Disease mechanism: loss of function.

Submissions (2):

Myriad Genetics, Inc.
Classification: Likely benign for Breast-ovarian cancer, familial, susceptibility to, 1. Last evaluated: 2024-09-12. Review status: criteria provided, single submitter. Criteria: Myriad Autosomal Dominant, Autosomal Recessive and X-Linked Classification Criteria (2023). Collection method: clinical testing. Allele origin: unknown.
Comment: This variant is considered likely benign. This variant been observed in trans with a known pathogenic variant in one or more individuals. Compound heterozygosity for pathogenic variants in this gene is generally assumed to result in embryonic lethality.

Labcorp Genetics (formerly Invitae), Labcorp
Classification: Uncertain significance for Hereditary breast ovarian cancer syndrome. Last evaluated: 2023-03-03. Review status: criteria provided, single submitter. Criteria: Invitae Variant Classification Sherloc (09022015). Collection method: clinical testing. Allele origin: germline.
Comment: In summary, the available evidence is currently insufficient to determine the role of this variant in disease. Therefore, it has been classified as a Variant of Uncertain Significance. Advanced modeling of protein sequence and biophysical properties (such as structural, functional, and spatial information, amino acid conservation, physicochemical variation, residue mobility, and thermodynamic stability) performed at Invitae indicates that this missense variant is not expected to disrupt BRCA1 protein function. This variant has not been reported in the literature in individuals affected with BRCA1-related conditions. This variant is not present in population databases (gnomAD no frequency). This sequence change replaces asparagine, which is neutral and polar, with aspartic acid, which is acidic and polar, at codon 961 of the BRCA1 protein (p.Asn961Asp).

NM_007294.4(BRCA1):c.2881A>G (p.Asn961Asp)

Gene: BRCA1 (BRCA1 DNA repair associated; minus strand). Cytogenetic location: 17q21.31.
Variant type: single nucleotide variant.
Coding change: c.2881A>G on transcript NM_007294.4 (MANE Select); coding-DNA position 2881, A replaced by G.
Protein change: p.Asn961Asp; replaces asparagine 961 with aspartic acid.
Molecular consequence: missense variant. On other transcripts: intron variant (137).
Genome position (GRCh38, 1-based): chr17:43,092,650, T>C on the plus strand (A>G on the coding strand, the complement: BRCA1 is on the minus strand). VCF-style: chr17-43092650-T-C. GRCh37 (hg19) VCF-style: chr17-41244667-T-C.
Other names: c.2668A>G, p.Asn890Asp (NM_001407571.1, NM_001407899.1, NM_001407915.1 and 9 more transcripts); c.2881A>G, p.Asn961Asp (NM_001407581.1, NM_001407582.1, NM_001407583.1 and 30 more transcripts); c.2878A>G, p.Asn960Asp (NM_001407587.1, NM_001407590.1, NM_001407591.1 and 22 more transcripts); c.2872A>G, p.Asn958Asp (NM_001407646.1, NM_001407647.1); c.2800A>G, p.Asn934Asp (NM_001407660.1, NM_001407661.1, NM_001407662.1 and 1 more transcripts); c.2803A>G, p.Asn935Asp (NM_001407663.1, NM_001407653.1, NM_001407654.1 and 4 more transcripts); c.2758A>G, p.Asn920Asp (NM_001407664.1, NM_001407665.1, NM_001407666.1 and 19 more transcripts); c.2755A>G, p.Asn919Asp (NM_001407685.1, NM_001407686.1, NM_001407687.1 and 11 more transcripts); and 41 more; short protein forms N793D, N919D, N934D, N961D, N849D, N890D, N894D, N665D.
Identifiers: ClinVar variation 2915514 (VCV002915514.4), dbSNP rs786203786, ClinGen allele CA10596227.